The following is an entry in ClinVar:

ClinVar aggregate classification (germline): Uncertain significance (1 of 4 stars; one submission).

gnomAD v4.1: 1 of 1,614,218 alleles (0.000062%); highest among the groups gnomAD compares: Non-Finnish European, 0.000085%; no homozygotes.

Submission:

Labcorp Genetics (formerly Invitae), Labcorp
Classification: Uncertain significance. Last evaluated: 2025-08-26. Review status: criteria provided, single submitter. Criteria: Invitae Variant Classification Sherloc (09022015). Collection method: clinical testing. Allele origin: germline.
Comment: This sequence change replaces lysine, which is basic and polar, with glutamine, which is neutral and polar, at codon 106 of the TRPV6 protein (p.Lys106Gln). This variant is not present in population databases (gnomAD no frequency). This variant has not been reported in the literature in individuals affected with TRPV6-related conditions. Experimental studies and prediction algorithms are not available or were not evaluated, and the functional significance of this variant is currently unknown. In summary, the available evidence is currently insufficient to determine the role of this variant in disease. Therefore, it has been classified as a Variant of Uncertain Significance.

NM_018646.6(TRPV6):c.316A>C (p.Lys106Gln)

Gene: TRPV6 (transient receptor potential cation channel subfamily V member 6; minus strand). Cytogenetic location: 7q34.
Variant type: single nucleotide variant.
Coding change: c.316A>C on transcript NM_018646.6 (MANE Select); coding-DNA position 316, A replaced by C.
Protein change: p.Lys106Gln; replaces lysine 106 with glutamine.
Molecular consequence: missense variant.
Genome position (GRCh38, 1-based): chr7:142,877,959, T>G on the plus strand (A>C on the coding strand, the complement: TRPV6 is on the minus strand). VCF-style: chr7-142877959-T-G. GRCh37 (hg19) VCF-style: chr7-142575712-T-G.
Other names: short protein forms K106Q.
Identifiers: ClinVar variation 4766699 (VCV004766699.1).
Genomic context (GRCh38, chr7:142,877,959, plus strand): 5'-AGGAGATCATGCTGCATTTGTGCTTCTTACCTCTCTGGTGCACCTTGCAATCCTCATACT[T>G]GAGCAACTTGTTCAGGGCCTGGACATCATTATCTTTGGCAGCTAGAAGGAGAGGAGACTC-3'
Protein context (NP_061116.5, residues 96-116): NDVQALNKLL[Lys106Gln]YEDCKVHQRG